The following is an entry in ClinVar:

NM_001458.5(FLNC):c.6447del (p.Ile2150fs)

Genes: FLNC (filamin C; plus strand), FLNC-AS1 (FLNC antisense RNA 1; minus strand). Cytogenetic location: 7q32.1.
Variant type: Deletion.
Coding change: c.6447del on transcript NM_001458.5 (MANE Select); coding-DNA position 6447, one base deleted (C; older notation c.6447delC).
Protein change: p.Ile2150fs; shifts the reading frame from isoleucine 2150.
Molecular consequence: frameshift variant.
Genome position (GRCh38, 1-based): chr7:128,853,800, C deleted; the last of 2 consecutive C bases (chr7:128,853,799-128,853,800); deleting either gives the same sequence. VCF-style (leftmost placement, unchanged base first): chr7-128853798-AC-A. GRCh37 (hg19) VCF-style: chr7-128493852-AC-A.
Other names: c.6348del, p.Ile2117fs (NM_001127487.2); c.6447delC (NM_001458.4); short protein forms I2150fs, I2117fs.
Identifiers: ClinVar variation 574095 (VCV000574095.7), dbSNP rs1563003153, ClinGen allele CA891842998.

ClinVar aggregate classification (germline): Pathogenic (1 of 4 stars; one submission).

Conditions:
Myofibrillar myopathy 5. Also called: FILAMINOPATHY, AUTOSOMAL DOMINANT; Filaminopathy (type). Identifiers: Orphanet 171445, MedGen C1836050, MONDO:0012289, OMIM 609524.
Hypertrophic cardiomyopathy 26. Also called: Cardiomyopathy, familial hypertrophic, 26. Identifiers: Orphanet 75249, MedGen C4310749, MONDO:0014883, OMIM 617047.
Distal myopathy with posterior leg and anterior hand involvement. Also called: WILLIAMS DISTAL MYOPATHY. Identifiers: Orphanet 63273, MedGen C3279722, MONDO:0013550, OMIM 614065.

Submission:

Labcorp Genetics (formerly Invitae), Labcorp
Classification: Pathogenic for Distal myopathy with posterior leg and anterior hand involvement; Myofibrillar myopathy 5; Hypertrophic cardiomyopathy 26. Last evaluated: 2018-02-13. Review status: criteria provided, single submitter. Criteria: Invitae Variant Classification Sherloc (09022015). Collection method: clinical testing. Allele origin: germline.
Comment: For these reasons, this variant has been classified as Pathogenic. Loss-of-function variants in FLNC are known to be pathogenic (PMID: 27908349). This variant has not been reported in the literature in individuals with FLNC-related disease. This variant is not present in population databases (ExAC no frequency). This sequence change creates a premature translational stop signal (p.Ile2150Serfs*25) in the FLNC gene. It is expected to result in an absent or disrupted protein product.

Literature cited by the submitters: PubMed 27908349.